The following is an entry in ClinVar:

ClinVar aggregate classification (germline): Uncertain significance. Review status: criteria provided, multiple submitters, no conflicts (2 of 4 stars). 2 submissions from 2 submitters: Uncertain significance (2). Last evaluated 2024-03-30.

Conditions:
Inflammatory skin and bowel disease, neonatal, 1. Identifiers: Orphanet 294023, MedGen C3280501, MONDO:0013693, OMIM 614328.
Inborn genetic diseases. Identifiers: MedGen C0950123, MeSH D030342.

Allele frequency attached by ClinVar (database versions not stated): ExAC 0.00001; gnomAD exomes 0.00003; gnomAD 0.00005; TOPMed 0.00006.
gnomAD v4.1: 25 of 1,595,754 alleles (0.0016%); highest among the groups gnomAD compares: Admixed American, 0.036%; no homozygotes.

Submissions (2):

Ambry Genetics
Classification: Uncertain significance for Inborn genetic diseases. Last evaluated: 2024-03-30. Review status: criteria provided, single submitter. Criteria: Ambry Variant Classification Scheme 2023. Collection method: clinical testing. Allele origin: germline.

Labcorp Genetics (formerly Invitae), Labcorp
Classification: Uncertain significance for Inflammatory skin and bowel disease, neonatal, 1. Last evaluated: 2022-08-23. Review status: criteria provided, single submitter. Criteria: Invitae Variant Classification Sherloc (09022015). Collection method: clinical testing. Allele origin: germline.
Comment: This sequence change replaces histidine, which is basic and polar, with tyrosine, which is neutral and polar, at codon 361 of the ADAM17 protein (p.His361Tyr). This variant is present in population databases (rs201481056, gnomAD 0.02%). This variant has not been reported in the literature in individuals affected with ADAM17-related conditions. ClinVar contains an entry for this variant (Variation ID: 843333). Algorithms developed to predict the effect of missense changes on protein structure and function are either unavailable or do not agree on the potential impact of this missense change (SIFT: "Not Available"; PolyPhen-2: "Possibly Damaging"; Align-GVGD: "Not Available"). In summary, the available evidence is currently insufficient to determine the role of this variant in disease. Therefore, it has been classified as a Variant of Uncertain Significance.

NM_003183.6(ADAM17):c.1081C>T (p.His361Tyr)

Gene: ADAM17 (ADAM metallopeptidase domain 17; minus strand). Cytogenetic location: 2p25.1.
Variant type: single nucleotide variant.
Coding change: c.1081C>T on transcript NM_003183.6 (MANE Select); coding-DNA position 1081, C replaced by T.
Protein change: p.His361Tyr; replaces histidine 361 with tyrosine.
Molecular consequence: missense variant.
Genome position (GRCh38, 1-based): chr2:9,518,124, G>A on the plus strand (C>T on the coding strand, the complement: ADAM17 is on the minus strand). VCF-style: chr2-9518124-G-A. GRCh37 (hg19) VCF-style: chr2-9658253-G-A.
Other names: c.1081C>T (NM_003183.4); short protein forms H361Y.
Identifiers: ClinVar variation 843333 (VCV000843333.5), dbSNP rs201481056, ClinGen allele CA1523590.